The following is an entry in ClinVar:

ClinVar aggregate classification (germline): Likely benign (1 of 4 stars; one submission).

Conditions:
SCAPER-related disorder. Also called: SCAPER-related condition.

gnomAD v4.1: 1 of 1,613,808 alleles (0.000062%); highest among the groups gnomAD compares: Non-Finnish European, 0.000085%; no homozygotes.

Submission:

PreventionGenetics, part of Exact Sciences
Classification: Likely benign for SCAPER-related condition. Last evaluated: 2025-03-17. Review status: criteria provided, single submitter. Criteria: ACMG Guidelines, 2015. Collection method: clinical testing. Allele origin: germline.
Comment: This variant is classified as likely benign based on ACMG/AMP sequence variant interpretation guidelines (Richards et al. 2015 PMID: 25741868, with internal and published modifications).

NM_020843.4(SCAPER):c.3648C>T (p.Ala1216=)

Gene: SCAPER (S-phase cyclin A associated protein in the ER; minus strand). Cytogenetic location: 15q24.3.
Variant type: single nucleotide variant.
Coding change: c.3648C>T on transcript NM_020843.4 (MANE Select); coding-DNA position 3648, C replaced by T.
Protein change: p.Ala1216=; no amino-acid change (alanine 1216 retained).
Molecular consequence: synonymous variant. On other transcripts: non-coding transcript variant (1).
Genome position (GRCh38, 1-based): chr15:76,381,435, G>A on the plus strand (C>T on the coding strand, the complement: SCAPER is on the minus strand). VCF-style: chr15-76381435-G-A. GRCh37 (hg19) VCF-style: chr15-76673776-G-A.
Other names: c.2910C>T, p.Ala970= (NM_001145923.2); c.3666C>T, p.Ala1222= (NM_001353009.2); c.3246C>T, p.Ala1082= (NM_001353010.2, NM_001353012.2); c.3264C>T, p.Ala1088= (NM_001353011.2).
Identifiers: ClinVar variation 5000226 (VCV005000226.1).